The following is an entry in ClinVar:

ClinVar aggregate classification (germline): Benign/Likely benign. Review status: criteria provided, multiple submitters, no conflicts (2 of 4 stars). 7 submissions from 7 submitters: Benign (1); Likely benign (6). Last evaluated 2026-01-19.

Conditions:
Hereditary cancer-predisposing syndrome. Also called: Neoplastic Syndromes, Hereditary; Hereditary neoplastic syndrome; Tumor predisposition; Hereditary Cancer Syndrome. Identifiers: Orphanet 140162, MedGen C0027672, MeSH D009386, MONDO:0015356.
Breast-ovarian cancer, familial, susceptibility to, 3. Also called: RAD51C-Related Breast/Ovarian Cancer. Identifiers: Orphanet 145, MedGen C3150659, MONDO:0013253, OMIM 613399.
Fanconi anemia complementation group O. Also called: RAD51C-Related Fanconi Anemia. Identifiers: Orphanet 84, MedGen C3150653, MONDO:0013248, OMIM 613390.

Allele frequency attached by ClinVar (database versions not stated): gnomAD 0.00001; gnomAD exomes 0.00001; TOPMed 0.00001; ExAC 0.00002; 1000 Genomes Project 30x 0.00031; 1000 Genomes Project 0.00040.
gnomAD v4.1: 14 of 1,614,256 alleles (0.00087%); highest among the groups gnomAD compares: Admixed American, 0.013%; no homozygotes.

Submissions (7):

Labcorp Genetics (formerly Invitae), Labcorp
Classification: Likely benign for Fanconi anemia complementation group O. Last evaluated: 2026-01-19. Review status: criteria provided, single submitter. Criteria: Invitae Variant Classification Sherloc (09022015). Collection method: clinical testing. Allele origin: germline.

Myriad Genetics, Inc.
Classification: Benign for Breast-ovarian cancer, familial, susceptibility to, 3. Last evaluated: 2025-02-14. Review status: criteria provided, single submitter. Criteria: Myriad Autosomal Dominant, Autosomal Recessive and X-Linked Classification Criteria (2023). Collection method: clinical testing. Allele origin: unknown.
Comment: This variant is considered benign. This variant is a silent/synonymous amino acid change and it is not expected to impact splicing.

Quest Diagnostics Nichols Institute San Juan Capistrano
Classification: Likely benign. Last evaluated: 2023-04-07. Review status: criteria provided, single submitter. Criteria: Quest Diagnostics criteria. Collection method: clinical testing. Allele origin: unknown.

Genetic Services Laboratory, University of Chicago
Classification: Likely benign. Last evaluated: 2021-06-11. Review status: criteria provided, single submitter. Criteria: ACMG Guidelines, 2015. Collection method: clinical testing. Allele origin: germline. Affected: no.

Color Diagnostics, LLC DBA Color Health
Classification: Likely benign for Hereditary cancer-predisposing syndrome. Last evaluated: 2017-08-26. Review status: criteria provided, single submitter. Criteria: ACMG Guidelines, 2015. Collection method: clinical testing. Allele origin: germline.

GeneDx
Classification: Likely benign. Last evaluated: 2016-11-01. Review status: criteria provided, single submitter. Criteria: GeneDx Variant Classification (06012015). Collection method: clinical testing. Allele origin: germline. Affected: yes.
Comment: This variant is considered likely benign or benign based on one or more of the following criteria: it is a conservative change, it occurs at a poorly conserved position in the protein, it is predicted to be benign by multiple in silico algorithms, and/or has population frequency not consistent with disease.

Ambry Genetics
Classification: Likely benign for Hereditary cancer-predisposing syndrome. Last evaluated: 2015-10-02. Review status: criteria provided, single submitter. Criteria: Ambry Variant Classification Scheme 2023. Collection method: clinical testing. Allele origin: germline.

NM_058216.3(RAD51C):c.102T>G (p.Thr34=)

Gene: RAD51C (RAD51 paralog C; plus strand). Cytogenetic location: 17q22.
Variant type: single nucleotide variant.
Coding change: c.102T>G on transcript NM_058216.3 (MANE Select); coding-DNA position 102, T replaced by G.
Protein change: p.Thr34=; no amino-acid change (threonine 34 retained).
Molecular consequence: synonymous variant. On other transcripts: non-coding transcript variant (1).
Genome position (GRCh38, 1-based): chr17:58,692,745, T>G. VCF-style: chr17-58692745-T-G. GRCh37 (hg19) VCF-style: chr17-56770106-T-G.
Other names: c.102T>G, p.Thr34= (NM_002876.4).
Identifiers: ClinVar variation 390710 (VCV000390710.23), dbSNP rs550757849, ClinGen allele CA8677148.